The following is an entry in ClinVar:

ClinVar aggregate classification (germline): Uncertain significance. Review status: criteria provided, multiple submitters, no conflicts (2 of 4 stars). 2 submissions from 2 submitters: Uncertain significance (2). Last evaluated 2024-06-20.

Conditions:
Inborn genetic diseases. Identifiers: MedGen C0950123, MeSH D030342.

Submissions (2):

GeneDx
Classification: Uncertain significance. Last evaluated: 2024-06-20. Review status: criteria provided, single submitter. Criteria: GeneDx Variant Classification Process June 2021. Collection method: clinical testing. Allele origin: germline. Affected: yes.
Comment: Not observed at significant frequency in large population cohorts (gnomAD); In silico analysis indicates that this missense variant does not alter protein structure/function; Has not been previously published as pathogenic or benign to our knowledge

Ambry Genetics
Classification: Uncertain significance for Inborn genetic diseases. Last evaluated: 2022-07-14. Review status: criteria provided, single submitter. Criteria: Ambry Variant Classification Scheme 2023. Collection method: clinical testing. Allele origin: germline.

NM_016239.4(MYO15A):c.382A>G (p.Ser128Gly)

Gene: MYO15A (myosin XVA; plus strand). Cytogenetic location: 17p11.2.
Variant type: single nucleotide variant.
Coding change: c.382A>G on transcript NM_016239.4 (MANE Select); coding-DNA position 382, A replaced by G.
Protein change: p.Ser128Gly; replaces serine 128 with glycine.
Molecular consequence: missense variant.
Genome position (GRCh38, 1-based): chr17:18,119,182, A>G. VCF-style: chr17-18119182-A-G. GRCh37 (hg19) VCF-style: chr17-18022496-A-G.
Other names: short protein forms S128G.
Identifiers: ClinVar variation 2298568 (VCV002298568.3), dbSNP rs1567618504, ClinGen allele CA398572709.